The following is an entry in ClinVar:

NM_024757.5(EHMT1):c.1678T>G (p.Tyr560Asp)

Gene: EHMT1 (euchromatic histone lysine methyltransferase 1; plus strand). Cytogenetic location: 9q34.3.
Variant type: single nucleotide variant.
Coding change: c.1678T>G on transcript NM_024757.5 (MANE Select); coding-DNA position 1678, T replaced by G.
Protein change: p.Tyr560Asp; replaces tyrosine 560 with aspartic acid.
Molecular consequence: missense variant.
Genome position (GRCh38, 1-based): chr9:137,775,139, T>G. VCF-style: chr9-137775139-T-G. GRCh37 (hg19) VCF-style: chr9-140669591-T-G.
Other names: c.1678T>G, p.Tyr560Asp (NM_001145527.2); c.1585T>G, p.Tyr529Asp (NM_001354259.2); c.1657T>G, p.Tyr553Asp (NM_001354263.2); short protein forms Y529D, Y553D, Y560D.
Identifiers: ClinVar variation 3361240 (VCV003361240.1).

ClinVar aggregate classification (germline): Uncertain significance (1 of 4 stars; one submission).

Submission:

GeneDx
Classification: Uncertain significance. Last evaluated: 2023-07-18. Review status: criteria provided, single submitter. Criteria: GeneDx Variant Classification Process June 2021. Collection method: clinical testing. Allele origin: germline. Affected: yes.
Comment: Not observed at significant frequency in large population cohorts (gnomAD); In silico analysis supports that this missense variant does not alter protein structure/function; Has not been previously published as pathogenic or benign to our knowledge